The following is an entry in ClinVar:

NM_001281740.3(FHOD3):c.3063A>C (p.Pro1021=)

Gene: FHOD3 (formin homology 2 domain containing 3; plus strand). Cytogenetic location: 18q12.2.
Variant type: single nucleotide variant.
Coding change: c.3063A>C on transcript NM_001281740.3 (MANE Select); coding-DNA position 3063, A replaced by C.
Protein change: p.Pro1021=; no amino-acid change (proline 1021 retained).
Molecular consequence: synonymous variant.
Genome position (GRCh38, 1-based): chr18:36,718,361, A>C. VCF-style: chr18-36718361-A-C. GRCh37 (hg19) VCF-style: chr18-34298324-A-C.
Other names: c.2487A>C, p.Pro829= (NM_001281739.3); c.2538A>C, p.Pro846= (NM_025135.5).
Identifiers: ClinVar variation 3041768 (VCV003041768.3), dbSNP rs1568664408, ClinGen allele CA503774986.

ClinVar aggregate classification (germline): Likely benign. Review status: criteria provided, single submitter (1 of 4 stars). 2 submissions from 2 submitters: Likely benign (1). 1 of the submissions does not count toward it. Last evaluated 2024-11-27.

Conditions:
FHOD3-related disorder. Also called: FHOD3-related condition.

Submissions (2):

Blueprint Genetics
Classification: Likely benign. Last evaluated: 2024-11-27. Review status: criteria provided, single submitter. Criteria: ACMG Guidelines, 2015. Collection method: clinical testing. Allele origin: germline.

PreventionGenetics, part of Exact Sciences
Classification: Likely benign for FHOD3-related condition. Last evaluated: 2023-04-25. Review status: no assertion criteria provided. Collection method: clinical testing. Allele origin: germline. Not counted in ClinVar's aggregate classification.
Comment: This variant is classified as likely benign based on ACMG/AMP sequence variant interpretation guidelines (Richards et al. 2015 PMID: 25741868, with internal and published modifications).